The following is an entry in ClinVar:

ClinVar aggregate classification (germline): Uncertain significance (1 of 4 stars; one submission).

gnomAD v4.1: 1 of 1,612,842 alleles (0.000062%); highest among the groups gnomAD compares: East Asian, 0.0022%; no homozygotes.

Submission:

Labcorp Genetics (formerly Invitae), Labcorp
Classification: Uncertain significance. Last evaluated: 2025-06-09. Review status: criteria provided, single submitter. Criteria: Invitae Variant Classification Sherloc (09022015). Collection method: clinical testing. Allele origin: germline.
Comment: This sequence change replaces phenylalanine, which is neutral and non-polar, with leucine, which is neutral and non-polar, at codon 212 of the ERBIN protein (p.Phe212Leu). This variant is present in population databases (rs777028314, gnomAD 0.06%). This variant has not been reported in the literature in individuals affected with ERBIN-related conditions. An algorithm developed to predict the effect of missense changes on protein structure and function (PolyPhen-2) suggests that this variant is likely to be disruptive. In summary, the available evidence is currently insufficient to determine the role of this variant in disease. Therefore, it has been classified as a Variant of Uncertain Significance.

NM_001253697.2(ERBIN):c.634T>C (p.Phe212Leu)

Gene: ERBIN (erbb2 interacting protein; plus strand). Cytogenetic location: 5q12.3.
Variant type: single nucleotide variant.
Coding change: c.634T>C on transcript NM_001253697.2 (MANE Select); coding-DNA position 634, T replaced by C.
Protein change: p.Phe212Leu; replaces phenylalanine 212 with leucine.
Molecular consequence: missense variant.
Genome position (GRCh38, 1-based): chr5:66,023,326, T>C. VCF-style: chr5-66023326-T-C. GRCh37 (hg19) VCF-style: chr5-65319154-T-C.
Other names: c.634T>C, p.Phe212Leu (NM_001006600.3, NM_001253698.2, NM_001253699.2 and 2 more transcripts); short protein forms F212L.
Identifiers: ClinVar variation 4772646 (VCV004772646.1).
Genomic context (GRCh38, chr5:66,023,326, plus strand): 5'-TATCCCCTACCCTAATCCCAACAGCCTGAAGTACTTGAGCAACTAAGTGGATTGAAAGAG[T>C]TTTGGATGGATGCTAATAGACTGACTTTTATTCCAGGGGTATGTATATGAGATTTTAAAT-3'
Protein context (NP_001240626.1, residues 202-222): VLEQLSGLKE[Phe212Leu]WMDANRLTFI